The following is an entry in ClinVar:

ClinVar aggregate classification (germline): Uncertain significance (1 of 4 stars; one submission).

Conditions:
Developmental and epileptic encephalopathy. Identifiers: MedGen C5779964, MONDO:0100620.

Allele frequency attached by ClinVar (database versions not stated): ExAC 0.00001; gnomAD 0.00001 and 0.00002; gnomAD exomes 0.00003 and 0.00004; TOPMed 0.00003.
gnomAD v4.1: 60 of 1,605,572 alleles (0.0037%); highest among the groups gnomAD compares: East Asian, 0.0045%; no homozygotes.

Submission:

Labcorp Genetics (formerly Invitae), Labcorp
Classification: Uncertain significance for Early-infantile DEE. Last evaluated: 2022-09-01. Review status: criteria provided, single submitter. Criteria: Invitae Variant Classification Sherloc (09022015). Collection method: clinical testing. Allele origin: germline.
Comment: This sequence change replaces alanine, which is neutral and non-polar, with valine, which is neutral and non-polar, at codon 311 of the SLC25A22 protein (p.Ala311Val). This variant is present in population databases (rs760123308, gnomAD 0.01%). This variant has not been reported in the literature in individuals affected with SLC25A22-related conditions. ClinVar contains an entry for this variant (Variation ID: 660730). Algorithms developed to predict the effect of missense changes on protein structure and function are either unavailable or do not agree on the potential impact of this missense change (SIFT: "Deleterious"; PolyPhen-2: "Possibly Damaging"; Align-GVGD: "Class C0"). In summary, the available evidence is currently insufficient to determine the role of this variant in disease. Therefore, it has been classified as a Variant of Uncertain Significance.

NM_001191061.2(SLC25A22):c.932C>T (p.Ala311Val)

Gene: SLC25A22 (solute carrier family 25 member 22; minus strand). Cytogenetic location: 11p15.5.
Variant type: single nucleotide variant.
Coding change: c.932C>T on transcript NM_001191061.2 (MANE Select); coding-DNA position 932, C replaced by T.
Protein change: p.Ala311Val; replaces alanine 311 with valine.
Molecular consequence: missense variant.
Genome position (GRCh38, 1-based): chr11:791,955, G>A on the plus strand (C>T on the coding strand, the complement: SLC25A22 is on the minus strand). VCF-style: chr11-791955-G-A. GRCh37 (hg19) VCF-style: chr11-791955-G-A.
Other names: c.932C>T, p.Ala311Val (NM_001191060.2, NM_024698.6); short protein forms A311V.
Identifiers: ClinVar variation 660730 (VCV000660730.7), dbSNP rs760123308, ClinGen allele CA5789000.